The following is an entry in ClinVar:

ClinVar aggregate classification (germline): Likely benign. Review status: criteria provided, multiple submitters, no conflicts (2 of 4 stars). 4 submissions from 4 submitters: Likely benign (4). Last evaluated 2026-02-01.

Allele frequency attached by ClinVar (database versions not stated): gnomAD 0.00003 and 0.00004; TOPMed 0.00003; ExAC 0.00006; gnomAD exomes 0.00006 and 0.00007; ESP Exome Variant Server 0.00015.
gnomAD v4.1: 101 of 1,614,050 alleles (0.0063%); highest among the groups gnomAD compares: Middle Eastern, 0.033%; no homozygotes.

Submissions (4):

CeGaT Center for Human Genetics Tuebingen
Classification: Likely benign. Last evaluated: 2026-02-01. Review status: criteria provided, single submitter. Criteria: CeGaT Center For Human Genetics Tuebingen Variant Classification Criteria Version 2. Collection method: clinical testing. Allele origin: germline. Affected: yes. Observed: 3 variant alleles.
Comment: NSD1: BP4, BP7

Labcorp Genetics (formerly Invitae), Labcorp
Classification: Likely benign. Last evaluated: 2026-01-05. Review status: criteria provided, single submitter. Criteria: Invitae Variant Classification Sherloc (09022015). Collection method: clinical testing. Allele origin: germline.

Blueprint Genetics
Classification: Likely benign. Last evaluated: 2024-07-25. Review status: criteria provided, single submitter. Criteria: ACMG Guidelines, 2015. Collection method: clinical testing. Allele origin: germline.

GeneDx
Classification: Likely benign. Last evaluated: 2021-04-26. Review status: criteria provided, single submitter. Criteria: GeneDx Variant Classification Process June 2021. Collection method: clinical testing. Allele origin: germline. Affected: yes.

NM_022455.5(NSD1):c.5007C>T (p.His1669=)

Gene: NSD1 (nuclear receptor binding SET domain protein 1; plus strand). Cytogenetic location: 5q35.3.
Variant type: single nucleotide variant.
Coding change: c.5007C>T on transcript NM_022455.5 (MANE Select); coding-DNA position 5007, C replaced by T.
Protein change: p.His1669=; no amino-acid change (histidine 1669 retained).
Molecular consequence: synonymous variant.
Genome position (GRCh38, 1-based): chr5:177,260,029, C>T. VCF-style: chr5-177260029-C-T. GRCh37 (hg19) VCF-style: chr5-176687030-C-T.
Other names: c.4134C>T, p.His1378= (NM_001365684.2, NM_001409308.1, NM_001409309.1 and 1 more transcripts); c.5007C>T, p.His1669= (NM_001409301.1, NM_001409302.1, NM_001409303.1); c.4587C>T, p.His1529= (NM_001409304.1); c.4254C>T, p.His1418= (NM_001409305.1); c.4245C>T, p.His1415= (NM_001409306.1, NM_001409307.1).
Identifiers: ClinVar variation 352889 (VCV000352889.44), dbSNP rs146414176, ClinGen allele CA3577755.